The following is an entry in ClinVar:

NM_004168.4(SDHA):c.1790A>G (p.Tyr597Cys)

Gene: SDHA (succinate dehydrogenase complex flavoprotein subunit A; plus strand). Cytogenetic location: 5p15.33.
Variant type: single nucleotide variant.
Coding change: c.1790A>G on transcript NM_004168.4 (MANE Select); coding-DNA position 1790, A replaced by G.
Protein change: p.Tyr597Cys; replaces tyrosine 597 with cysteine.
Molecular consequence: missense variant. On other transcripts: intron variant (1).
Genome position (GRCh38, 1-based): chr5:251,464, A>G. VCF-style: chr5-251464-A-G. GRCh37 (hg19) VCF-style: chr5-251579-A-G.
Other names: c.1646A>G, p.Tyr549Cys (NM_001294332.2); c.1552-2929A>G (NM_001330758.2); short protein forms Y597C, Y549C.
Identifiers: ClinVar variation 1422789 (VCV001422789.11), dbSNP rs1736828708, ClinGen allele CA359000490.
Genomic context (GRCh38, chr5:251,464, plus strand): 5'-AGACCATCTACGGAGCAGAGGCACGGAAGGAGTCACGGGGCGCGCATGCCAGGGAAGACT[A>G]CAAGGTGGGCCTTCTCACCACGCCCACCTGCACCTGCCTTTTCCTGCCACCTGGTGGGAC-3'
Protein context (NP_004159.2, residues 587-607): ESRGAHARED[Tyr597Cys]KVRIDEYDYS

ClinVar aggregate classification (germline): Uncertain significance. Review status: criteria provided, multiple submitters, no conflicts (2 of 4 stars). 3 submissions from 3 submitters: Uncertain significance (3). Last evaluated 2026-03-01.

Conditions:
Hereditary cancer-predisposing syndrome. Also called: Hereditary neoplastic syndrome; Tumor predisposition; Hereditary Cancer Syndrome; Neoplastic Syndromes, Hereditary. Identifiers: Orphanet 140162, MedGen C0027672, MeSH D009386, MONDO:0015356.
Pheochromocytoma/paraganglioma syndrome 5. Also called: Paragangliomas 5; SDHA-Related Hereditary Paraganglioma-Pheochromocytoma Syndrome. Identifiers: Orphanet 29072, MedGen C3279992, MONDO:0013602, OMIM 614165.
Mitochondrial complex II deficiency, nuclear type 1. Also called: SUCCINATE CoQ REDUCTASE DEFICIENCY. Identifiers: Orphanet 3208, MedGen C5700310, MONDO:0100294, OMIM 252011.

Submissions (3):

CeGaT Center for Human Genetics Tuebingen
Classification: Uncertain significance. Last evaluated: 2026-03-01. Review status: criteria provided, single submitter. Criteria: CeGaT Center For Human Genetics Tuebingen Variant Classification Criteria Version 2. Collection method: clinical testing. Allele origin: germline. Affected: yes. Observed: 1 variant allele.
Comment: SDHA: PM2

Ambry Genetics
Classification: Uncertain significance for Hereditary cancer-predisposing syndrome. Last evaluated: 2022-08-22. Review status: criteria provided, single submitter. Criteria: Ambry Variant Classification Scheme 2023. Collection method: clinical testing. Allele origin: germline.
Comment: The p.Y597C variant (also known as c.1790A>G), located in coding exon 13 of the SDHA gene, results from an A to G substitution at nucleotide position 1790. The tyrosine at codon 597 is replaced by cysteine, an amino acid with highly dissimilar properties. This amino acid position is conserved. In addition, the in silico prediction for this alteration is inconclusive. Since supporting evidence is limited at this time, the clinical significance of this alteration remains unclear.

Labcorp Genetics (formerly Invitae), Labcorp
Classification: Uncertain significance for Pheochromocytoma/paraganglioma syndrome 5; Mitochondrial complex II deficiency, nuclear type 1. Last evaluated: 2022-07-17. Review status: criteria provided, single submitter. Criteria: Invitae Variant Classification Sherloc (09022015). Collection method: clinical testing. Allele origin: germline.
Comment: This sequence change replaces tyrosine, which is neutral and polar, with cysteine, which is neutral and slightly polar, at codon 597 of the SDHA protein (p.Tyr597Cys). This variant is not present in population databases (gnomAD no frequency). This variant has not been reported in the literature in individuals affected with SDHA-related conditions. ClinVar contains an entry for this variant (Variation ID: 1422789). Algorithms developed to predict the effect of missense changes on protein structure and function are either unavailable or do not agree on the potential impact of this missense change (SIFT: "Deleterious"; PolyPhen-2: "Benign"; Align-GVGD: "Class C15"). In summary, the available evidence is currently insufficient to determine the role of this variant in disease. Therefore, it has been classified as a Variant of Uncertain Significance.